The following is an entry in ClinVar:

NM_000548.5(TSC2):c.5161-6C>T

Gene: TSC2 (TSC complex subunit 2; plus strand). Cytogenetic location: 16p13.3.
Variant type: single nucleotide variant.
Coding change: c.5161-6C>T on transcript NM_000548.5 (MANE Select); 6 bases into the intron before coding-DNA position 5161, C replaced by T.
Molecular consequence: intron variant.
Genome position (GRCh38, 1-based): chr16:2,088,221, C>T. VCF-style: chr16-2088221-C-T. GRCh37 (hg19) VCF-style: chr16-2138222-C-T.
Other names: c.5092-6C>T (NM_001114382.3); c.5032-6C>T (NM_021055.3); c.5032-18C>T (NM_001370405.1); c.4963-6C>T (NM_001363528.2); c.5029-6C>T (NM_001370404.1); c.4960-6C>T (NM_001077183.3); c.4852-6C>T (NM_001318827.2); c.4429-6C>T (NM_001318831.2); and 2 more.
Identifiers: ClinVar variation 696569 (VCV000696569.12), dbSNP rs1475029652, ClinGen allele CA620705062.

ClinVar aggregate classification (germline): Likely benign. Review status: criteria provided, multiple submitters, no conflicts (2 of 4 stars). 3 submissions from 3 submitters: Likely benign (3). Last evaluated 2025-07-18.

Conditions:
Tuberous sclerosis syndrome (TSC). Also called: Tuberous Sclerosis Complex; Tuberous sclerosis. Identifiers: Orphanet 805, MedGen C0041341, MONDO:0001734.
Tuberous sclerosis 2 (TSC2). Identifiers: Orphanet 805, MedGen C1860707, MONDO:0013199, OMIM 613254.

Allele frequency attached by ClinVar (database versions not stated): TOPMed below 0.00001; gnomAD 0.00001; gnomAD exomes 0.00001 and 0.00002.
gnomAD v4.1: 36 of 1,612,994 alleles (0.0022%); highest among the groups gnomAD compares: Non-Finnish European, 0.0031%; no homozygotes.

Submissions (3):

Labcorp Genetics (formerly Invitae), Labcorp
Classification: Likely benign for Tuberous sclerosis 2. Last evaluated: 2025-07-18. Review status: criteria provided, single submitter. Criteria: Invitae Variant Classification Sherloc (09022015). Collection method: clinical testing. Allele origin: germline.

Myriad Genetics, Inc.
Classification: Likely benign for Tuberous sclerosis 2. Last evaluated: 2025-06-06. Review status: criteria provided, single submitter. Criteria: Myriad Autosomal Dominant, Autosomal Recessive and X-Linked Classification Criteria (2023). Collection method: clinical testing. Allele origin: unknown.
Comment: This variant is considered likely benign. This variant is intronic and is not expected to impact mRNA splicing.

All of Us Research Program, National Institutes of Health
Classification: Likely benign for Tuberous sclerosis syndrome. Last evaluated: 2023-08-15. Review status: criteria provided, single submitter. Criteria: ACMG Guidelines, 2015. Collection method: clinical testing. Allele origin: germline. Inheritance: Autosomal dominant inheritance. Observed: 2 variant alleles, 2 heterozygotes.
Comment: This study involves interpretation of variants in research participants for the purpose of population health screening. Participant phenotype was not available at the time of variant classification. Additional details can be found in publication PMID: 35346344, PMCID: PMC8962531